The following is an entry in ClinVar:

NM_001163435.3(TBCK):c.1477A>G (p.Ile493Val)

Gene: TBCK (TBC1 domain containing kinase; minus strand). Cytogenetic location: 4q24.
Variant type: single nucleotide variant.
Coding change: c.1477A>G on transcript NM_001163435.3 (MANE Select); coding-DNA position 1477, A replaced by G.
Protein change: p.Ile493Val; replaces isoleucine 493 with valine.
Molecular consequence: missense variant.
Genome position (GRCh38, 1-based): chr4:106,233,623, T>C on the plus strand (A>G on the coding strand, the complement: TBCK is on the minus strand). VCF-style: chr4-106233623-T-C. GRCh37 (hg19) VCF-style: chr4-107154780-T-C.
Other names: c.1477A>G, p.Ile493Val (NM_001163436.4); c.1360A>G, p.Ile454Val (NM_001163437.3); c.961A>G, p.Ile321Val (NM_001290768.2); c.1288A>G, p.Ile430Val (NM_033115.5); short protein forms I493V, I430V, I454V, I321V.
Identifiers: ClinVar variation 1413851 (VCV001413851.8), dbSNP rs2149999727, ClinGen allele CA357822814.

ClinVar aggregate classification (germline): Uncertain significance (1 of 4 stars; one submission).

Submission:

Labcorp Genetics (formerly Invitae), Labcorp
Classification: Uncertain significance. Last evaluated: 2021-07-16. Review status: criteria provided, single submitter. Criteria: Invitae Variant Classification Sherloc (09022015). Collection method: clinical testing. Allele origin: germline.
Comment: In summary, the available evidence is currently insufficient to determine the role of this variant in disease. Therefore, it has been classified as a Variant of Uncertain Significance. Algorithms developed to predict the effect of missense changes on protein structure and function are either unavailable or do not agree on the potential impact of this missense change (SIFT: "Tolerated"; PolyPhen-2: "Probably Damaging"; Align-GVGD: "Class C0"). This variant has not been reported in the literature in individuals with TBCK-related conditions. This variant is not present in population databases (ExAC no frequency). This sequence change replaces isoleucine with valine at codon 493 of the TBCK protein (p.Ile493Val). The isoleucine residue is highly conserved and there is a small physicochemical difference between isoleucine and valine.